The following is an entry in ClinVar:

ClinVar aggregate classification (germline): Uncertain significance (1 of 4 stars; one submission).

Submission:

GeneDx
Classification: Uncertain significance. Last evaluated: 2023-03-30. Review status: criteria provided, single submitter. Criteria: GeneDx Variant Classification Process June 2021. Collection method: clinical testing. Allele origin: germline.
Comment: Not observed at significant frequency in large population cohorts (gnomAD); In silico analysis supports that this missense variant does not alter protein structure/function; Has not been previously published as pathogenic or benign to our knowledge

NM_001349798.2(FBXW7):c.214T>A (p.Ser72Thr)

Gene: FBXW7 (F-box and WD repeat domain containing 7; minus strand). Cytogenetic location: 4q31.3.
Variant type: single nucleotide variant.
Coding change: c.214T>A on transcript NM_001349798.2 (MANE Select); coding-DNA position 214, T replaced by A.
Protein change: p.Ser72Thr; replaces serine 72 with threonine.
Molecular consequence: missense variant.
Genome position (GRCh38, 1-based): chr4:152,411,590, A>T on the plus strand (T>A on the coding strand, the complement: FBXW7 is on the minus strand). VCF-style: chr4-152411590-A-T. GRCh37 (hg19) VCF-style: chr4-153332742-A-T.
Other names: c.214T>A, p.Ser72Thr (NM_001257069.1, NM_033632.3); short protein forms S72T.
Identifiers: ClinVar variation 2444651 (VCV002444651.2), dbSNP rs2530782623, ClinGen allele CA358620443.